The following is an entry in ClinVar:

NM_001042492.3(NF1):c.7787T>C (p.Val2596Ala)

Gene: NF1 (neurofibromin 1; plus strand). Cytogenetic location: 17q11.2.
Variant type: single nucleotide variant.
Coding change: c.7787T>C on transcript NM_001042492.3 (MANE Select); coding-DNA position 7787, T replaced by C.
Protein change: p.Val2596Ala; replaces valine 2596 with alanine.
Molecular consequence: missense variant.
Genome position (GRCh38, 1-based): chr17:31,357,008, T>C. VCF-style: chr17-31357008-T-C. GRCh37 (hg19) VCF-style: chr17-29684026-T-C.
Other names: c.7724T>C, p.Val2575Ala (NM_000267.4); short protein forms V2575A, V2596A.
Identifiers: ClinVar variation 3879124 (VCV003879124.1).
Genomic context (GRCh38, chr17:31,357,008, plus strand): 5'-ATCTTGCTGCAGAAACTCAGAGGATTTCCTCATCACAACAGCACCCACATTTACGTAAAG[T>C]TTCAGTGTCTGAATCAAATGTTCTCTTGGATGAAGAAGTACTTACTGATCCGAAGATCCA-3'
Protein context (NP_001035957.1, residues 2586-2606): SSQQHPHLRK[Val2596Ala]SVSESNVLLD

ClinVar aggregate classification (germline): Uncertain significance (1 of 4 stars; one submission).

Conditions:
Cardiovascular phenotype. Identifiers: MedGen CN230736.
Hereditary cancer-predisposing syndrome. Also called: Tumor predisposition; Neoplastic Syndromes, Hereditary; Hereditary Cancer Syndrome; Hereditary neoplastic syndrome. Identifiers: Orphanet 140162, MedGen C0027672, MeSH D009386, MONDO:0015356.

Submission:

Ambry Genetics
Classification: Uncertain significance for Cardiovascular phenotype; Hereditary cancer-predisposing syndrome. Last evaluated: 2025-02-17. Review status: criteria provided, single submitter. Criteria: Ambry Variant Classification Scheme 2023. Collection method: clinical testing. Allele origin: germline.
Comment: The p.V2575A variant (also known as c.7724T>C), located in coding exon 52 of the NF1 gene, results from a T to C substitution at nucleotide position 7724. The valine at codon 2575 is replaced by alanine, an amino acid with similar properties. This amino acid position is conserved. In addition, the in silico prediction for this alteration is inconclusive. Based on the available evidence, the clinical significance of this variant remains unclear.